The following is an entry in ClinVar:

ClinVar aggregate classification (germline): Conflicting classifications of pathogenicity. Review status: criteria provided, conflicting classifications (1 of 4 stars). 2 submissions from 2 submitters: Uncertain significance (1); Likely benign (1). Last evaluated 2016-12-06.

Conditions:
Neonatal insulin-dependent diabetes mellitus. Identifiers: MedGen C3278636, HP:0000857.

Submissions (2):

Athena Diagnostics
Classification: Uncertain significance. Last evaluated: 2016-12-06. Review status: criteria provided, single submitter. Criteria: Athena Diagnostics Criteria. Collection method: clinical testing. Allele origin: germline.

Clinical Genomics, Uppaluri K&H Personalized Medicine Clinic
Classification: Likely benign for Neonatal insulin-dependent diabetes mellitus. Review status: criteria provided, single submitter. Criteria: K & H Uppaluri Personalized Medicine Clinic Variant Classification & Assertion Criteria_Updated V.1. Collection method: research. Allele origin: unknown.
Comment: Mutations in INS gene can cause early onset diabetes mellitus which is insulin dependent. May have poor response to sulfonylureas, as this mutation can cause beta cell destruction. However no sufficient evidence is found to ascertain the role of this particular variant rs1554920854, yet.

Literature cited by the submitters: PubMed 11921414 (cited by Clinical Genomics, Uppaluri K&H Personalized Medicine Clinic); PubMed 25542748 (cited by Clinical Genomics, Uppaluri K&H Personalized Medicine Clinic); PubMed 26101329 (cited by Clinical Genomics, Uppaluri K&H Personalized Medicine Clinic); PubMed 18171712 (cited by Clinical Genomics, Uppaluri K&H Personalized Medicine Clinic).

NM_000207.3(INS):c.130_144del (p.Gly44_Phe48del)

Genes: INS (insulin; minus strand), INS-IGF2 (INS-IGF2 readthrough; minus strand). Cytogenetic location: 11p15.5.
Variant type: Deletion.
Coding change: c.130_144del on transcript NM_000207.3 (MANE Select); coding-DNA positions 130 to 144, 15 bases deleted (GGGGAACGAGGCTTC).
Protein change: p.Gly44_Phe48del.
Molecular consequence: inframe deletion. On other transcripts: non-coding transcript variant (1).
Genome position (GRCh38, 1-based): chr11:2,160,828-2,160,842, GAAGCCTCGTTCCCC deleted on the plus strand (GGGGAACGAGGCTTC on the coding strand, the reverse complement: INS is on the minus strand); deleting any 15 consecutive bases within chr11:2,160,828-2,160,843 gives the same sequence; the c. name uses the placement nearest the transcript's 3' end. VCF-style (leftmost placement, unchanged base first): chr11-2160827-AGAAGCCTCGTTCCCC-A. GRCh37 (hg19) VCF-style: chr11-2182057-AGAAGCCTCGTTCCCC-A.
Other names: c.130_144del, p.Gly44_Phe48del (NM_001185097.2, NM_001185098.2, NM_001291897.2 and 1 more transcripts).
Identifiers: ClinVar variation 447579 (VCV000447579.2), dbSNP rs1554920854, ClinGen allele CA658658027.
Genomic context (GRCh38, chr11:2,160,827, plus strand): 5'-AATGGGCAGTTGGCTCACCCTGCAGGTCCTCTGCCTCCCGGCGGGTCTTGGGTGTGTAGA[AGAAGCCTCGTTCCCC>A]GCACACTAGGTAGAGAGCTTCCACCAGGTGTGAGCCGCACAGGTGTTGGTTCACAAAGGC-3'